The following is an entry in ClinVar:

ClinVar aggregate classification (germline): Likely benign. Review status: criteria provided, multiple submitters, no conflicts (2 of 4 stars). 4 submissions from 4 submitters: Likely benign (3). 1 of the submissions does not count toward it. Last evaluated 2026-01-25.

Conditions:
Nemaline myopathy 2 (NEM2). Also called: Nemaline myopathy 2, autosomal recessive. Identifiers: MedGen C1850569, MONDO:0009725, OMIM 256030.

Allele frequency attached by ClinVar (database versions not stated): gnomAD 0.00058 and 0.00083; TOPMed 0.00102; gnomAD exomes 0.00147; ExAC 0.00149; 1000 Genomes Project 30x 0.00219; 1000 Genomes Project 0.00220.
gnomAD v4.1: 957 of 1,613,946 alleles (0.059%); highest among the groups gnomAD compares: East Asian, 1.9%; 13 homozygotes.

Submissions (4):

Labcorp Genetics (formerly Invitae), Labcorp
Classification: Likely benign for Nemaline myopathy 2. Last evaluated: 2026-01-25. Review status: criteria provided, single submitter. Criteria: Invitae Variant Classification Sherloc (09022015). Collection method: clinical testing. Allele origin: germline.

Blueprint Genetics
Classification: Likely benign. Last evaluated: 2024-11-26. Review status: criteria provided, single submitter. Criteria: ACMG Guidelines, 2015. Collection method: clinical testing. Allele origin: germline.

Illumina Laboratory Services, Illumina
Classification: Likely benign for Nemaline myopathy 2. Last evaluated: 2018-01-13. Review status: criteria provided, single submitter. Criteria: ICSL Variant Classification Criteria 13 December 2019. Collection method: clinical testing. Allele origin: germline.
Comment: This variant was observed in the ICSL laboratory as part of a predisposition screen in an ostensibly healthy population. It had not been previously curated by ICSL or reported in the Human Gene Mutation Database (HGMD: prior to June 1st, 2018), and was therefore a candidate for classification through an automated scoring system. Utilizing variant allele frequency, disease prevalence and penetrance estimates, and inheritance mode, an automated score was calculated to assess if this variant is too frequent to cause the disease. Based on the score and internal cut-off values, a variant classified as likely benign is not then subjected to further curation. The score for this variant resulted in a classification of likely benign for this disease.

Natera, Inc.
Classification: Benign for Nemaline myopathy type 2. Last evaluated: 2019-10-22. Review status: no assertion criteria provided. Collection method: clinical testing. Allele origin: germline. Not counted in ClinVar's aggregate classification.

NM_001164508.2(NEB):c.8499G>A (p.Lys2833=)

Gene: NEB (nebulin; minus strand). Cytogenetic location: 2q23.3.
Variant type: single nucleotide variant.
Coding change: c.8499G>A on transcript NM_001164508.2 (MANE Select); coding-DNA position 8499, G replaced by A.
Protein change: p.Lys2833=; no amino-acid change (lysine 2833 retained).
Molecular consequence: synonymous variant.
Genome position (GRCh38, 1-based): chr2:151,640,541, C>T on the plus strand (G>A on the coding strand, the complement: NEB is on the minus strand). VCF-style: chr2-151640541-C-T. GRCh37 (hg19) VCF-style: chr2-152497055-C-T.
Other names: c.8499G>A, p.Lys2833= (NM_001164507.2, NM_001271208.2, NM_004543.5).
Identifiers: ClinVar variation 697505 (VCV000697505.19), dbSNP rs183998406, ClinGen allele CA1909568.